The following is an entry in ClinVar:

ClinVar aggregate classification (germline): Uncertain significance (1 of 4 stars; one submission).

Conditions:
GATA binding protein 1 related thrombocytopenia with dyserythropoiesis. Also called: GATA1-Related Cytopenia; GATA1-Related X-Linked Cytopenia. Identifiers: MedGen C1845837, MONDO:0100089.
Diamond-Blackfan anemia. Also called: Blackfan Diamond syndrome; Aregenerative anemia chronic congenital; Red cell aplasia, pure hereditary; Congenital hypoplastic anemia; Aase syndrome. Identifiers: Orphanet 124, MedGen C1260899, MeSH D029503, MONDO:0015253, HP:0004810.

Submission:

Labcorp Genetics (formerly Invitae), Labcorp
Classification: Uncertain significance for GATA binding protein 1 related thrombocytopenia with dyserythropoiesis; Diamond-Blackfan anemia. Last evaluated: 2022-09-15. Review status: criteria provided, single submitter. Criteria: Invitae Variant Classification Sherloc (09022015). Collection method: clinical testing. Allele origin: germline.
Comment: Algorithms developed to predict the effect of sequence changes on RNA splicing suggest that this variant may create or strengthen a splice site. In summary, the available evidence is currently insufficient to determine the role of this variant in disease. Therefore, it has been classified as a Variant of Uncertain Significance. Advanced modeling of protein sequence and biophysical properties (such as structural, functional, and spatial information, amino acid conservation, physicochemical variation, residue mobility, and thermodynamic stability) performed at Invitae indicates that this missense variant is not expected to disrupt GATA1 protein function. This sequence change replaces alanine, which is neutral and non-polar, with threonine, which is neutral and polar, at codon 162 of the GATA1 protein (p.Ala162Thr). This variant is not present in population databases (gnomAD no frequency). This variant has not been reported in the literature in individuals affected with GATA1-related conditions.

NM_002049.4(GATA1):c.484G>A (p.Ala162Thr)

Gene: GATA1 (GATA binding protein 1; plus strand). Cytogenetic location: Xp11.23.
Variant type: single nucleotide variant.
Coding change: c.484G>A on transcript NM_002049.4 (MANE Select); coding-DNA position 484, G replaced by A.
Protein change: p.Ala162Thr; replaces alanine 162 with threonine.
Molecular consequence: missense variant.
Genome position (GRCh38, 1-based): chrX:48,792,107, G>A. VCF-style: chrX-48792107-G-A. GRCh37 (hg19) VCF-style: chrX-48650514-G-A.
Other names: short protein forms A162T.
Identifiers: ClinVar variation 1719034 (VCV001719034.6), dbSNP rs2519344818, ClinGen allele CA412869445.